The following is an entry in ClinVar:

ClinVar aggregate classification (germline): Uncertain significance. Review status: criteria provided, multiple submitters, no conflicts (2 of 4 stars). 5 submissions from 5 submitters: Uncertain significance (5). Last evaluated 2025-11-11.

Conditions:
Hereditary cancer-predisposing syndrome. Also called: Tumor predisposition; Hereditary neoplastic syndrome; Neoplastic Syndromes, Hereditary; Hereditary Cancer Syndrome. Identifiers: Orphanet 140162, MedGen C0027672, MeSH D009386, MONDO:0015356.
Hereditary nonpolyposis colorectal neoplasms. Identifiers: MedGen C0009405, MeSH D003123.

Allele frequency attached by ClinVar (database versions not stated): ExAC below 0.00001; gnomAD 0.00001.

Submissions (5):

Color Diagnostics, LLC DBA Color Health
Classification: Uncertain significance for Hereditary cancer-predisposing syndrome. Last evaluated: 2025-11-11. Review status: criteria provided, single submitter. Criteria: ACMG Guidelines, 2015. Collection method: clinical testing. Allele origin: germline.
Comment: This missense variant replaces asparagine with lysine at codon 842 of the PMS2 protein. Computational prediction is inconclusive regarding the impact of this variant on protein structure and function. To our knowledge, functional studies have not been reported for this variant. This variant has not been reported in individuals affected with PMS2-related disorders in the literature. This variant has been identified in 1/795674 chromosomes in the general population by the Genome Aggregation Database (gnomAD). The available evidence is insufficient to determine the role of this variant in disease conclusively. Therefore, this variant is classified as a Variant of Uncertain Significance.

Quest Diagnostics Nichols Institute San Juan Capistrano
Classification: Uncertain significance. Last evaluated: 2025-05-15. Review status: criteria provided, single submitter. Criteria: Quest Diagnostics criteria. Collection method: clinical testing. Allele origin: unknown.
Comment: The PMS2 c.2526C>G (p.Asn842Lys) variant has not been reported in individuals with PMS2-realted conditions in the published literature. It also has not been reported in large, multi-ethnic general populations (Genome Aggregation Database). Analysis of this variant using bioinformatics tools for the prediction of the effect of amino acid changes on protein structure and function yielded predictions that this variant is damaging. Based on the available information, we are unable to determine the clinical significance of this variant.

Ambry Genetics
Classification: Uncertain significance for Hereditary cancer-predisposing syndrome. Last evaluated: 2025-05-09. Review status: criteria provided, single submitter. Criteria: Ambry Variant Classification Scheme 2023. Collection method: clinical testing. Allele origin: germline.
Comment: The p.N842K variant (also known as c.2526C>G), located in coding exon 15 of the PMS2 gene, results from a C to G substitution at nucleotide position 2526. The asparagine at codon 842 is replaced by lysine, an amino acid with similar properties. This amino acid position is highly conserved in available vertebrate species. In addition, the in silico prediction for this alteration is inconclusive. Based on the available evidence, the clinical significance of this variant remains unclear.

Labcorp Genetics (formerly Invitae), Labcorp
Classification: Uncertain significance for Hereditary nonpolyposis colorectal neoplasms. Last evaluated: 2025-01-27. Review status: criteria provided, single submitter. Criteria: Invitae Variant Classification Sherloc (09022015). Collection method: clinical testing. Allele origin: germline.
Comment: This sequence change replaces asparagine, which is neutral and polar, with lysine, which is basic and polar, at codon 842 of the PMS2 protein (p.Asn842Lys). The frequency data for this variant in the population databases (gnomAD) is considered unreliable due to the presence of homologous sequence, such as pseudogenes or paralogs, in the genome. This variant has not been reported in the literature in individuals affected with PMS2-related conditions. ClinVar contains an entry for this variant (Variation ID: 951514). Invitae Evidence Modeling incorporating data from in vitro experimental studies (internal data) indicates that this missense variant is not expected to disrupt PMS2 function with a negative predictive value of 95%. In summary, the available evidence is currently insufficient to determine the role of this variant in disease. Therefore, it has been classified as a Variant of Uncertain Significance.

Women's Health and Genetics/Laboratory Corporation of America, LabCorp
Classification: Uncertain significance. Last evaluated: 2022-10-09. Review status: criteria provided, single submitter. Criteria: LabCorp Variant Classification Summary - May 2015. Collection method: clinical testing. Allele origin: germline.

NM_000535.7(PMS2):c.2526C>G (p.Asn842Lys)

Gene: PMS2 (PMS1 homolog 2, mismatch repair system component; minus strand). Cytogenetic location: 7p22.1.
Variant type: single nucleotide variant.
Coding change: c.2526C>G on transcript NM_000535.7 (MANE Select); coding-DNA position 2526, C replaced by G.
Protein change: p.Asn842Lys; replaces asparagine 842 with lysine.
Molecular consequence: missense variant. On other transcripts: non-coding transcript variant (1).
Genome position (GRCh38, 1-based): chr7:5,973,462, G>C on the plus strand (C>G on the coding strand, the complement: PMS2 is on the minus strand). VCF-style: chr7-5973462-G-C. GRCh37 (hg19) VCF-style: chr7-6013093-G-C.
Other names: c.2121C>G, p.Asn707Lys (NM_001322003.2, NM_001322004.2, NM_001322005.2); c.2370C>G, p.Asn790Lys (NM_001322006.2); c.2208C>G, p.Asn736Lys (NM_001322007.2, NM_001322008.2); c.2154C>G, p.Asn718Lys (NM_001322009.2); c.1965C>G, p.Asn655Lys (NM_001322010.2); c.1593C>G, p.Asn531Lys (NM_001322011.2, NM_001322012.2); c.1953C>G, p.Asn651Lys (NM_001322013.2); c.2559C>G, p.Asn853Lys (NM_001322014.2); and 1 more; short protein forms N707K, N655K, N790K, N842K, N736K, N739K, N531K, N651K.
Identifiers: ClinVar variation 951514 (VCV000951514.16), dbSNP rs755478893, ClinGen allele CA048813.